The following is an entry in ClinVar:

NM_001220.5(CAMK2B):c.977T>G (p.Met326Arg)

Gene: CAMK2B (calcium/calmodulin dependent protein kinase II beta; minus strand). Cytogenetic location: 7p13.
Variant type: single nucleotide variant.
Coding change: c.977T>G on transcript NM_001220.5 (MANE Select); coding-DNA position 977, T replaced by G.
Protein change: p.Met326Arg; replaces methionine 326 with arginine.
Molecular consequence: missense variant. On other transcripts: intron variant (5).
Genome position (GRCh38, 1-based): chr7:44,239,633, A>C on the plus strand (T>G on the coding strand, the complement: CAMK2B is on the minus strand). VCF-style: chr7-44239633-A-C. GRCh37 (hg19) VCF-style: chr7-44279232-A-C.
Other names: c.977T>G (NM_001220.4); c.977T>G, p.Met326Arg (NM_001293170.2, NM_172078.3, NM_172082.3); c.946+1074T>G (NM_172084.3, NM_172080.3, NM_172083.3 and 2 more transcripts); short protein forms M326R.
Identifiers: ClinVar variation 1347730 (VCV001347730.10), dbSNP rs1239169240, ClinGen allele CA367362351.

ClinVar aggregate classification (germline): Uncertain significance. Review status: criteria provided, multiple submitters, no conflicts (2 of 4 stars). 3 submissions from 3 submitters: Uncertain significance (3). Last evaluated 2025-03-20.

Conditions:
Inborn genetic diseases. Identifiers: MedGen C0950123, MeSH D030342.

Submissions (3):

GeneDx
Classification: Uncertain significance. Last evaluated: 2025-03-20. Review status: criteria provided, single submitter. Criteria: GeneDx Variant Classification Process June 2021. Collection method: clinical testing. Allele origin: germline. Affected: yes.
Comment: Not observed at significant frequency in large population cohorts (gnomAD); In silico analysis indicates that this missense variant does not alter protein structure/function; Has not been previously published as pathogenic or benign to our knowledge

Ambry Genetics
Classification: Uncertain significance for Inborn genetic diseases. Last evaluated: 2021-05-17. Review status: criteria provided, single submitter. Criteria: Ambry Variant Classification Scheme 2023. Collection method: clinical testing. Allele origin: germline.

Labcorp Genetics (formerly Invitae), Labcorp
Classification: Uncertain significance. Last evaluated: 2021-04-23. Review status: criteria provided, single submitter. Criteria: Invitae Variant Classification Sherloc (09022015). Collection method: clinical testing. Allele origin: germline.
Comment: In summary, the available evidence is currently insufficient to determine the role of this variant in disease. Therefore, it has been classified as a Variant of Uncertain Significance. Algorithms developed to predict the effect of sequence changes on RNA splicing suggest that this variant may create or strengthen a splice site, but this prediction has not been confirmed by published transcriptional studies. Algorithms developed to predict the effect of missense changes on protein structure and function are either unavailable or do not agree on the potential impact of this missense change (SIFT: "Deleterious"; PolyPhen-2: "Benign"; Align-GVGD: "Class C65"). This variant has not been reported in the literature in individuals with CAMK2B-related conditions. This variant is not present in population databases (ExAC no frequency). This sequence change replaces methionine with arginine at codon 326 of the CAMK2B protein (p.Met326Arg). The methionine residue is highly conserved and there is a moderate physicochemical difference between methionine and arginine.